The following is an entry in ClinVar:

ClinVar aggregate classification (germline): Benign/Likely benign. Review status: criteria provided, multiple submitters, no conflicts (2 of 4 stars). 3 submissions from 3 submitters: Benign (1); Likely benign (2). Last evaluated 2024-01-29.

Conditions:
Joubert syndrome. Also called: Familial aplasia of the vermis; JOUBERT-BOLTSHAUSER SYNDROME. Identifiers: Orphanet 475, MedGen C5979921, MONDO:0018772.

Submissions (3):

Labcorp Genetics (formerly Invitae), Labcorp
Classification: Benign for Joubert syndrome. Last evaluated: 2024-01-29. Review status: criteria provided, single submitter. Criteria: Invitae Variant Classification Sherloc (09022015). Collection method: clinical testing. Allele origin: germline.

Blueprint Genetics
Classification: Likely benign. Last evaluated: 2021-07-20. Review status: criteria provided, single submitter. Criteria: ACMG Guidelines, 2015. Collection method: clinical testing. Allele origin: germline.

GeneDx
Classification: Likely benign. Last evaluated: 2017-06-08. Review status: criteria provided, single submitter. Criteria: GeneDx Variant Classification (06012015). Collection method: clinical testing. Allele origin: germline. Affected: yes.
Comment: This variant is considered likely benign or benign based on one or more of the following criteria: it is a conservative change, it occurs at a poorly conserved position in the protein, it is predicted to be benign by multiple in silico algorithms, and/or has population frequency not consistent with disease.

NM_001134831.2(AHI1):c.1152-7dup

Gene: AHI1 (Abelson helper integration site 1; minus strand). Cytogenetic location: 6q23.3.
Variant type: Duplication.
Coding change: c.1152-7dup on transcript NM_001134831.2 (MANE Select); 7 bases into the intron before coding-DNA position 1152, one base duplicated (T; older notation c.1152-7dupT).
Molecular consequence: intron variant.
Genome position (GRCh38, 1-based): chr6:135,455,933, A duplicated on the plus strand (T on the coding strand, the reverse complement: AHI1 is on the minus strand); the first of 7 consecutive A bases (chr6:135,455,933-135,455,939); duplicating any one gives the same sequence. VCF-style (leftmost placement, unchanged base first): chr6-135455932-C-CA. GRCh37 (hg19) VCF-style: chr6-135777070-C-CA.
Other names: c.1152-7dup (NM_001134830.2, NM_001350503.2, NM_017651.5 and 2 more transcripts); c.1152-7dupT (NM_017651.4).
Identifiers: ClinVar variation 510234 (VCV000510234.10), dbSNP rs773371042, ClinGen allele CA4012647.